The following is an entry in ClinVar:

ClinVar aggregate classification (germline): Uncertain significance (1 of 4 stars; one submission).

Allele frequency attached by ClinVar (database versions not stated): gnomAD exomes below 0.00001.
gnomAD v4.1: 1 of 1,613,752 alleles (0.000062%); highest among the groups gnomAD compares: Admixed American, 0.0017%; no homozygotes.

Submission:

Labcorp Genetics (formerly Invitae), Labcorp
Classification: Uncertain significance. Last evaluated: 2022-07-05. Review status: criteria provided, single submitter. Criteria: Invitae Variant Classification Sherloc (09022015). Collection method: clinical testing. Allele origin: germline.
Comment: This sequence change replaces proline, which is neutral and non-polar, with threonine, which is neutral and polar, at codon 49 of the IFT27 protein (p.Pro49Thr). This variant is not present in population databases (gnomAD no frequency). This variant has not been reported in the literature in individuals affected with IFT27-related conditions. ClinVar contains an entry for this variant (Variation ID: 1353562). Advanced modeling of protein sequence and biophysical properties (such as structural, functional, and spatial information, amino acid conservation, physicochemical variation, residue mobility, and thermodynamic stability) performed at Invitae indicates that this missense variant is expected to disrupt IFT27 protein function. In summary, the available evidence is currently insufficient to determine the role of this variant in disease. Therefore, it has been classified as a Variant of Uncertain Significance.

NM_001177701.3(IFT27):c.148C>A (p.Pro50Thr)

Gene: IFT27 (intraflagellar transport 27; minus strand). Cytogenetic location: 22q12.3.
Variant type: single nucleotide variant.
Coding change: c.148C>A on transcript NM_001177701.3 (MANE Select); coding-DNA position 148, C replaced by A.
Protein change: p.Pro50Thr; replaces proline 50 with threonine.
Molecular consequence: missense variant.
Genome position (GRCh38, 1-based): chr22:36,767,332, G>T on the plus strand (C>A on the coding strand, the complement: IFT27 is on the minus strand). VCF-style: chr22-36767332-G-T. GRCh37 (hg19) VCF-style: chr22-37163376-G-T.
Other names: c.148C>A, p.Pro50Thr (NM_001363003.2); c.145C>A, p.Pro49Thr (NM_006860.5); short protein forms P49T, P50T.
Identifiers: ClinVar variation 1353562 (VCV001353562.3), dbSNP rs2145920470, ClinGen allele CA411385674.
Genomic context (GRCh38, chr22:36,767,332, plus strand): 5'-GCCCTGAGTTCCCCTGGGTAAAGGCATCACTCACCACACTGTCTCCCGTGTCAGGAACTG[G>T]CACTGTCTTCACCACCAAATCCATTCCTGTTGTCTGCCGAGGAACACCAAGAATGTTAGC-3'
Protein context (NP_001171172.1, residues 40-60): TGMDLVVKTV[Pro50Thr]VPDTGDSVEL